The following is an entry in ClinVar:

ClinVar aggregate classification (germline): Uncertain significance (1 of 4 stars; one submission).

Allele frequency attached by ClinVar (database versions not stated): gnomAD 0.00001; gnomAD exomes 0.00001; TOPMed 0.00001; ExAC 0.00002.
gnomAD v4.1: 15 of 1,583,514 alleles (0.00095%); highest among the groups gnomAD compares: Middle Eastern, 0.017%; no homozygotes.

Submission:

Labcorp Genetics (formerly Invitae), Labcorp
Classification: Uncertain significance. Last evaluated: 2022-02-06. Review status: criteria provided, single submitter. Criteria: Invitae Variant Classification Sherloc (09022015). Collection method: clinical testing. Allele origin: germline.
Comment: In summary, the available evidence is currently insufficient to determine the role of this variant in disease. Therefore, it has been classified as a Variant of Uncertain Significance. Algorithms developed to predict the effect of missense changes on protein structure and function output the following: SIFT: "Tolerated"; PolyPhen-2: "Benign"; Align-GVGD: "Class C0". The serine amino acid residue is found in multiple mammalian species, which suggests that this missense change does not adversely affect protein function. This variant has not been reported in the literature in individuals affected with MCM3AP-related conditions. This variant is present in population databases (rs753020108, gnomAD 0.006%). This sequence change replaces glycine, which is neutral and non-polar, with serine, which is neutral and polar, at codon 1006 of the MCM3AP protein (p.Gly1006Ser).

NM_003906.5(MCM3AP):c.3016G>A (p.Gly1006Ser)

Gene: MCM3AP (minichromosome maintenance complex component 3 associated protein; minus strand). Cytogenetic location: 21q22.3.
Variant type: single nucleotide variant.
Coding change: c.3016G>A on transcript NM_003906.5 (MANE Select); coding-DNA position 3016, G replaced by A.
Protein change: p.Gly1006Ser; replaces glycine 1006 with serine.
Molecular consequence: missense variant.
Genome position (GRCh38, 1-based): chr21:46,265,940, C>T on the plus strand (G>A on the coding strand, the complement: MCM3AP is on the minus strand). VCF-style: chr21-46265940-C-T. GRCh37 (hg19) VCF-style: chr21-47685854-C-T.
Other names: short protein forms G1006S.
Identifiers: ClinVar variation 1916346 (VCV001916346.3), dbSNP rs753020108, ClinGen allele CA10076662.
Genomic context (GRCh38, chr21:46,265,940, plus strand): 5'-GGAAAATGCAGCTAGTCCCCTCACTACGACTGCAGCTTCACTCACCCACTGTGTCGGAGC[C>T]GGGTCTCTGGGTGCTGACGGGCAGCTCCGCGGCCAGGCTCTCCCCGATGTACTTGTTCTG-3'
Protein context (NP_003897.2, residues 996-1016): AELPVSTQRP[Gly1006Ser]SDTVGGGRGE